The following is an entry in ClinVar:

ClinVar aggregate classification (germline): Uncertain significance (1 of 4 stars; one submission).

Conditions:
Inborn genetic diseases. Identifiers: MedGen C0950123, MeSH D030342.

Submission:

Ambry Genetics
Classification: Uncertain significance for Inborn genetic diseases. Last evaluated: 2021-10-22. Review status: criteria provided, single submitter. Criteria: Ambry Variant Classification Scheme 2023. Collection method: clinical testing. Allele origin: germline.
Comment: The c.933_935delCAA (p.N312del) alteration is located in exon 5 (coding exon 4) of the ATN1 gene. This alteration consists of an in-frame deletion of 3 nucleotides between nucleotide positions c.933 and c.935, resulting in the deletion of <NA> residues. Based on insufficient or conflicting evidence, the clinical significance of this alteration remains unclear.

NM_001940.4(ATN1):c.930CAA[1] (p.Asn312del)

Gene: ATN1 (atrophin 1; plus strand). Cytogenetic location: 12p13.31.
Variant type: Microsatellite.
Coding change: c.930CAA[1] on transcript NM_001940.4 (MANE Select); one copy of the 3-base unit CAA starting at c.930; the reference has two copies in a row; one copy, 3 bases deleted.
Protein change: p.Asn312del; deletes asparagine 312.
Molecular consequence: inframe deletion.
Genome position (GRCh38, 1-based): chr12:6,936,200-6,936,202, CAA deleted; deleting any 3 consecutive bases within chr12:6,936,197-6,936,202 gives the same sequence; the position shown is the placement nearest the transcript's 3' end. VCF-style (leftmost placement, unchanged base first): chr12-6936196-TCAA-T. GRCh37 (hg19) VCF-style: chr12-7045359-TCAA-T.
Other names: c.930CAA[1], p.Asn312del (NM_001007026.2); short protein forms N312del.
Identifiers: ClinVar variation 2250383 (VCV002250383.2), dbSNP rs1555143605, ClinGen allele CA603486654.